The following is an entry in ClinVar:

NM_000051.4(ATM):c.5537T>C (p.Ile1846Thr)

Gene: ATM (ATM serine/threonine kinase; plus strand). Cytogenetic location: 11q22.3.
Variant type: single nucleotide variant.
Coding change: c.5537T>C on transcript NM_000051.4 (MANE Select); coding-DNA position 5537, T replaced by C.
Protein change: p.Ile1846Thr; replaces isoleucine 1846 with threonine.
Molecular consequence: missense variant.
Genome position (GRCh38, 1-based): chr11:108,304,715, T>C. VCF-style: chr11-108304715-T-C. GRCh37 (hg19) VCF-style: chr11-108175442-T-C.
Other names: c.5537T>C, p.Ile1846Thr (NM_001351834.2); short protein forms I1846T.
Identifiers: ClinVar variation 2887636 (VCV002887636.4), dbSNP rs2546987114, ClinGen allele CA382545905.
Genomic context (GRCh38, chr11:108,304,715, plus strand): 5'-GATTTGTTTGTATATTCTAGGTGAAAACTGACTTTTGTCAGACTGTACTTCCATACTTGA[T>C]TCATGATATTTTACTCCAAGATACAAATGAATCATGGAGAAATCTGCTTTCTACACATGT-3'
Protein context (NP_000042.3, residues 1836-1856): DFCQTVLPYL[Ile1846Thr]HDILLQDTNE

ClinVar aggregate classification (germline): Uncertain significance. Review status: criteria provided, multiple submitters, no conflicts (2 of 4 stars). 2 submissions from 2 submitters: Uncertain significance (2). Last evaluated 2025-08-03.

Conditions:
Hereditary cancer-predisposing syndrome. Also called: Neoplastic Syndromes, Hereditary; Tumor predisposition; Hereditary neoplastic syndrome; Hereditary Cancer Syndrome. Identifiers: Orphanet 140162, MedGen C0027672, MeSH D009386, MONDO:0015356.
Ataxia-telangiectasia syndrome (AT). Also called: Cerebello-oculocutaneous telangiectasia; Immunodeficiency with ataxia telangiectasia; AT, COMPLEMENTATION GROUP C; ATAXIA-TELANGIECTASIA, FRESNO VARIANT; ATAXIA-TELANGIECTASIA, COMPLEMENTATION GROUP A; Ataxia-telangiectasia. Identifiers: Orphanet 100, MedGen C0004135, MONDO:0008840, OMIM 208900.

Submissions (2):

Ambry Genetics
Classification: Uncertain significance for Hereditary cancer-predisposing syndrome. Last evaluated: 2025-08-03. Review status: criteria provided, single submitter. Criteria: Ambry Variant Classification Scheme 2023. Collection method: clinical testing. Allele origin: germline.
Comment: The p.I1846T variant (also known as c.5537T>C), located in coding exon 36 of the ATM gene, results from a T to C substitution at nucleotide position 5537. The isoleucine at codon 1846 is replaced by threonine, an amino acid with similar properties. This amino acid position is conserved. In addition, this alteration is predicted to be deleterious by in silico analysis. Based on the available evidence, the clinical significance of this variant remains unclear.

Labcorp Genetics (formerly Invitae), Labcorp
Classification: Uncertain significance for Ataxia-telangiectasia syndrome. Last evaluated: 2022-10-23. Review status: criteria provided, single submitter. Criteria: Invitae Variant Classification Sherloc (09022015). Collection method: clinical testing. Allele origin: germline.
Comment: In summary, the available evidence is currently insufficient to determine the role of this variant in disease. Therefore, it has been classified as a Variant of Uncertain Significance. Algorithms developed to predict the effect of missense changes on protein structure and function are either unavailable or do not agree on the potential impact of this missense change (SIFT: "Deleterious"; PolyPhen-2: "Benign"; Align-GVGD: "Class C25"). This variant has not been reported in the literature in individuals affected with ATM-related conditions. This variant is not present in population databases (gnomAD no frequency). This sequence change replaces isoleucine, which is neutral and non-polar, with threonine, which is neutral and polar, at codon 1846 of the ATM protein (p.Ile1846Thr).